The following is an entry in ClinVar:

NM_000128.4(F11):c.73_75delinsA (p.Leu25fs)

Gene: F11 (coagulation factor XI; plus strand). Cytogenetic location: 4q35.2.
Variant type: Indel.
Coding change: c.73_75delinsA on transcript NM_000128.4 (MANE Select); coding-DNA positions 73 to 75, TTG replaced by A.
Protein change: p.Leu25fs; shifts the reading frame from leucine 25.
Molecular consequence: frameshift variant.
Genome position (GRCh38, 1-based): chr4:186,271,626-186,271,628, TTG replaced by A. VCF-style: chr4-186271626-TTG-A. GRCh37 (hg19) VCF-style: chr4-187192780-TTG-A.
Other names: c.73_75delinsA, p.Leu25fs (NM_001354804.2, NM_001440590.1, NM_001440593.1 and 5 more transcripts); short protein forms L25fs.
Identifiers: ClinVar variation 5013115 (VCV005013115.1).

ClinVar aggregate classification (germline): Pathogenic (1 of 4 stars; one submission).

Conditions:
Hereditary factor XI deficiency disease. Also called: PLASMA THROMBOPLASTIN ANTECEDENT DEFICIENCY; PTA DEFICIENCY; ROSENTHAL SYNDROME; Congenital factor XI deficiency. Identifiers: Orphanet 329, MedGen C0015523, MeSH D005173, MONDO:0012897, OMIM 612416.

Submission:

Myriad Genetics, Inc.
Classification: Pathogenic for Hereditary factor XI deficiency disease. Last evaluated: 2024-05-14. Review status: criteria provided, single submitter. Criteria: Myriad Autosomal Dominant, Autosomal Recessive and X-Linked Classification Criteria (2023). Collection method: clinical testing. Allele origin: unknown.
Comment: NM_000128.3(F11):c.73_75delTTGinsA(L25Kfs*6) is expected to be pathogenic in the context of factor XI deficiency. This variant is predicted to lead to an abnormal or absent protein product due to the creation of a premature termination codon in F11, a gene where loss-of-function variants are known to be pathogenic. Please note: this variant was assessed in the context of healthy population screening.